The following is an entry in ClinVar:

ClinVar aggregate classification (germline): Pathogenic (1 of 4 stars; one submission).

Submission:

Labcorp Genetics (formerly Invitae), Labcorp
Classification: Pathogenic. Last evaluated: 2025-12-24. Review status: criteria provided, single submitter. Criteria: Invitae Variant Classification Sherloc (09022015). Collection method: clinical testing. Allele origin: germline.
Comment: This sequence change creates a premature translational stop signal (p.Leu3150Trpfs*18) in the DNAH9 gene. It is expected to result in an absent or disrupted protein product. Loss-of-function variants in DNAH9 are known to be pathogenic (PMID: 30471718). This variant is not present in population databases (gnomAD no frequency). This variant has not been reported in the literature in individuals affected with DNAH9-related conditions. For these reasons, this variant has been classified as Pathogenic.

Literature cited by the submitters: PubMed 30471718.

NM_001372.4(DNAH9):c.9448del (p.Leu3150fs)

Gene: DNAH9 (dynein axonemal heavy chain 9; plus strand). Cytogenetic location: 17p12.
Variant type: Deletion.
Coding change: c.9448del on transcript NM_001372.4 (MANE Select); coding-DNA position 9448, one base deleted (C; older notation c.9448delC).
Protein change: p.Leu3150fs; shifts the reading frame from leucine 3150.
Molecular consequence: frameshift variant.
Genome position (GRCh38, 1-based): chr17:11,834,839, C deleted; the last of 2 consecutive C bases (chr17:11,834,838-11,834,839); deleting either gives the same sequence. VCF-style (leftmost placement, unchanged base first): chr17-11834837-AC-A. GRCh37 (hg19) VCF-style: chr17-11738154-AC-A.
Other names: short protein forms L3150fs.
Identifiers: ClinVar variation 4767219 (VCV004767219.1).